The following is an entry in ClinVar:

ClinVar aggregate classification (germline): Benign. Review status: criteria provided, multiple submitters, no conflicts (2 of 4 stars). 3 submissions from 3 submitters: Benign (2). 1 of the submissions does not count toward it. Last evaluated 2026-02-01.

Conditions:
PIK3C2A-related disorder. Also called: PIK3C2A-related condition.

Allele frequency attached by ClinVar (database versions not stated): 1000 Genomes Project 30x 0.00515; 1000 Genomes Project 0.00539; TOPMed 0.00563; ESP Exome Variant Server 0.00708; gnomAD 0.00730 and 0.00778.
gnomAD v4.1: 14,349 of 1,613,304 alleles (0.89%); highest among the groups gnomAD compares: Middle Eastern, 2.2%; 123 homozygotes.

Submissions (3):

Labcorp Genetics (formerly Invitae), Labcorp
Classification: Benign. Last evaluated: 2026-02-01. Review status: criteria provided, single submitter. Criteria: Invitae Variant Classification Sherloc (09022015). Collection method: clinical testing. Allele origin: germline.

Breakthrough Genomics
Classification: Benign. Review status: criteria provided, single submitter. Criteria: ACMG Guidelines, 2015. Collection method: not provided. Allele origin: germline. Inheritance: Autosomal recessive inheritance. Affected: yes.

PreventionGenetics, part of Exact Sciences
Classification: Benign for PIK3C2A-related condition. Last evaluated: 2019-10-30. Review status: no assertion criteria provided. Collection method: clinical testing. Allele origin: germline. Not counted in ClinVar's aggregate classification.
Comment: This variant is classified as benign based on ACMG/AMP sequence variant interpretation guidelines (Richards et al. 2015 PMID: 25741868, with internal and published modifications).

NM_002645.4(PIK3C2A):c.4200T>C (p.Gly1400=)

Gene: PIK3C2A (phosphatidylinositol-4-phosphate 3-kinase catalytic subunit type 2 alpha; minus strand). Cytogenetic location: 11p15.1.
Variant type: single nucleotide variant.
Coding change: c.4200T>C on transcript NM_002645.4 (MANE Select); coding-DNA position 4200, T replaced by C.
Protein change: p.Gly1400=; no amino-acid change (glycine 1400 retained).
Molecular consequence: synonymous variant.
Genome position (GRCh38, 1-based): chr11:17,097,183, A>G on the plus strand (T>C on the coding strand, the complement: PIK3C2A is on the minus strand). VCF-style: chr11-17097183-A-G. GRCh37 (hg19) VCF-style: chr11-17118730-A-G.
Other names: c.4200T>C (NM_001321378.1); c.4200T>C, p.Gly1400= (NM_001321378.2); c.3060T>C, p.Gly1020= (NM_001321380.2); c.4032T>C, p.Gly1344= (NM_001386870.1).
Identifiers: ClinVar variation 1618927 (VCV001618927.11), dbSNP rs113662142, ClinGen allele CA5900588.